The following is an entry in ClinVar:

ClinVar aggregate classification (germline): Uncertain significance (1 of 4 stars; one submission).

Conditions:
Early-infantile DEE. Also called: Ohtahara syndrome; Early infantile epileptic encephalopathy with suppression bursts; Early infantile epileptic encephalopathy. Identifiers: Orphanet 1934, MedGen C0393706, MONDO:0800491.

Submission:

Labcorp Genetics (formerly Invitae), Labcorp
Classification: Uncertain significance for Early-infantile DEE. Last evaluated: 2024-12-12. Review status: criteria provided, single submitter. Criteria: Invitae Variant Classification Sherloc (09022015). Collection method: clinical testing. Allele origin: germline.
Comment: This sequence change replaces methionine, which is neutral and non-polar, with valine, which is neutral and non-polar, at codon 763 of the KCNQ2 protein (p.Met763Val). This variant is not present in population databases (gnomAD no frequency). This variant has not been reported in the literature in individuals affected with KCNQ2-related conditions. Invitae Evidence Modeling of protein sequence and biophysical properties (such as structural, functional, and spatial information, amino acid conservation, physicochemical variation, residue mobility, and thermodynamic stability) indicates that this missense variant is not expected to disrupt KCNQ2 protein function with a negative predictive value of 95%. In summary, the available evidence is currently insufficient to determine the role of this variant in disease. Therefore, it has been classified as a Variant of Uncertain Significance.

NM_172107.4(KCNQ2):c.2287A>G (p.Met763Val)

Gene: KCNQ2 (potassium voltage-gated channel subfamily Q member 2; minus strand). Cytogenetic location: 20q13.33.
Variant type: single nucleotide variant.
Coding change: c.2287A>G on transcript NM_172107.4 (MANE Select); coding-DNA position 2287, A replaced by G.
Protein change: p.Met763Val; replaces methionine 763 with valine.
Molecular consequence: missense variant.
Genome position (GRCh38, 1-based): chr20:63,406,976, T>C on the plus strand (A>G on the coding strand, the complement: KCNQ2 is on the minus strand). VCF-style: chr20-63406976-T-C. GRCh37 (hg19) VCF-style: chr20-62038329-T-C.
Other names: c.2341A>G, p.Met781Val (NM_001382235.1); c.2203A>G, p.Met735Val (NM_004518.6); c.2233A>G, p.Met745Val (NM_172106.3); c.2194A>G, p.Met732Val (NM_172108.5); short protein forms M732V, M745V, M763V, M735V, M781V.
Identifiers: ClinVar variation 3686753 (VCV003686753.2).